The following is an entry in ClinVar:

ClinVar aggregate classification (germline): Uncertain significance (1 of 4 stars; one submission).

Conditions:
Charcot-Marie-Tooth disease type 2. Also called: Charcot-Marie-Tooth type 2. Identifiers: Orphanet 64746, MedGen C0270914, MONDO:0018993.

Submission:

Labcorp Genetics (formerly Invitae), Labcorp
Classification: Uncertain significance for Charcot-Marie-Tooth disease type 2. Last evaluated: 2025-07-13. Review status: criteria provided, single submitter. Criteria: Invitae Variant Classification Sherloc (09022015). Collection method: clinical testing. Allele origin: germline.
Comment: This sequence change replaces asparagine, which is neutral and polar, with aspartic acid, which is acidic and polar, at codon 709 of the MFN2 protein (p.Asn709Asp). This variant is not present in population databases (gnomAD no frequency). This variant has not been reported in the literature in individuals affected with MFN2-related conditions. Invitae Evidence Modeling of protein sequence and biophysical properties (such as structural, functional, and spatial information, amino acid conservation, physicochemical variation, residue mobility, and thermodynamic stability) indicates that this missense variant is not expected to disrupt MFN2 protein function with a negative predictive value of 80%. In summary, the available evidence is currently insufficient to determine the role of this variant in disease. Therefore, it has been classified as a Variant of Uncertain Significance.

NM_014874.4(MFN2):c.2125A>G (p.Asn709Asp)

Gene: MFN2 (mitofusin 2; plus strand). Cytogenetic location: 1p36.22.
Variant type: single nucleotide variant.
Coding change: c.2125A>G on transcript NM_014874.4 (MANE Select); coding-DNA position 2125, A replaced by G.
Protein change: p.Asn709Asp; replaces asparagine 709 with aspartic acid.
Molecular consequence: missense variant.
Genome position (GRCh38, 1-based): chr1:12,009,647, A>G. VCF-style: chr1-12009647-A-G. GRCh37 (hg19) VCF-style: chr1-12069704-A-G.
Other names: c.2125A>G, p.Asn709Asp (NM_001127660.2); short protein forms N709D.
Identifiers: ClinVar variation 4709692 (VCV004709692.1).
Genomic context (GRCh38, chr1:12,009,647, plus strand): 5'-CCCAGGGAACTGTCTGGGACCTTTGCTCATCTGTGTCAGCAAGTTGACGTCACCCGGGAG[A>G]ACCTGGAGCAGGAAATTGCCGCCATGAACAAGAAAATTGAGGTTCTTGACTCACTTCAGA-3'
Protein context (NP_055689.1, residues 699-719): LCQQVDVTRE[Asn709Asp]LEQEIAAMNK